The following is an entry in ClinVar:

NM_004168.4(SDHA):c.2T>G (p.Met1Arg)

Gene: SDHA (succinate dehydrogenase complex flavoprotein subunit A; plus strand). Cytogenetic location: 5p15.33.
Variant type: single nucleotide variant.
Coding change: c.2T>G on transcript NM_004168.4 (MANE Select); coding-DNA position 2, T replaced by G.
Protein change: p.Met1Arg; changes the start codon (methionine 1).
Molecular consequence: missense variant, initiator codon variant.
Genome position (GRCh38, 1-based): chr5:218,357, T>G. VCF-style: chr5-218357-T-G. GRCh37 (hg19) VCF-style: chr5-218472-T-G.
Other names: p.Met1?; c.2T>G, p.Met1Arg (NM_001294332.2, NM_001330758.2); short protein forms M1R.
Identifiers: ClinVar variation 422382 (VCV000422382.19), dbSNP rs750380279, ClinGen allele CA16618195.

ClinVar aggregate classification (germline): Pathogenic/Likely pathogenic. Review status: criteria provided, multiple submitters, no conflicts (2 of 4 stars). 7 submissions from 7 submitters: Pathogenic (4); Likely pathogenic (2). 1 of the submissions does not count toward it. Last evaluated 2025-12-20.

Conditions:
Dilated cardiomyopathy 1GG (CMD1GG). Identifiers: Orphanet 154, MedGen C3150898, MONDO:0013339, OMIM 613642.
Neurodegeneration with ataxia and late-onset optic atrophy. Identifiers: MedGen C5543254, MONDO:0031006, OMIM 619259.
Mitochondrial complex II deficiency, nuclear type 1. Also called: SUCCINATE CoQ REDUCTASE DEFICIENCY. Identifiers: Orphanet 3208, MedGen C5700310, MONDO:0100294, OMIM 252011.
Pheochromocytoma/paraganglioma syndrome 5. Also called: SDHA-Related Hereditary Paraganglioma-Pheochromocytoma Syndrome; Paragangliomas 5. Identifiers: Orphanet 29072, MedGen C3279992, MONDO:0013602, OMIM 614165.
Hereditary cancer-predisposing syndrome. Also called: Neoplastic Syndromes, Hereditary; Hereditary Cancer Syndrome; Tumor predisposition; Hereditary neoplastic syndrome. Identifiers: Orphanet 140162, MedGen C0027672, MeSH D009386, MONDO:0015356.
Rhabdomyosarcoma. Also called: Rhabdomyosarcoma (disease). Identifiers: Orphanet 780, MedGen C0035412, MeSH D012208, MONDO:0005212, HP:0002859.

Submissions (7):

Labcorp Genetics (formerly Invitae), Labcorp
Classification: Pathogenic for Pheochromocytoma/paraganglioma syndrome 5; Mitochondrial complex II deficiency, nuclear type 1. Last evaluated: 2025-12-20. Review status: criteria provided, single submitter. Criteria: Invitae Variant Classification Sherloc (09022015). Collection method: clinical testing. Allele origin: germline.
Comment: This sequence change affects the initiator codon of the SDHA mRNA. This change may impact translation initiation or efficiency. The next in-frame methionine is located at codon 114. This variant is not present in population databases (gnomAD no frequency). Disruption of the initiator codon has been observed in individuals with complex II deficiency, gastrointestinal stromal tumor and renal cell carcinoma, and/or paraganglioma (PMID: 10746566, 26722403, 28384794). ClinVar contains an entry for this variant (Variation ID: 422382). Algorithms developed to predict the effect of variants on gene product structure and function are not available or were not evaluated for this variant. Experimental studies have shown that disruption of the initiator codon affects SDHA function (PMID: 10746566). This variant disrupts the N-terminal part of the SDHA protein, which is important for FAD binding (PMID: 25488574, 15989954, 21858060). While functional studies have not been performed to directly test the effect of this variant on SDHA protein function, this suggests that disruption of this region of the protein is causative of disease. For these reasons, this variant has been classified as Pathogenic.

Ambry Genetics
Classification: Pathogenic for Hereditary cancer-predisposing syndrome. Last evaluated: 2025-03-05. Review status: criteria provided, single submitter. Criteria: Ambry Variant Classification Scheme 2023. Collection method: clinical testing. Allele origin: germline.
Comment: The p.M1? pathogenic mutation (also known as c.2T>G) is located in coding exon 1 of the SDHA gene and results from a T to G substitution at nucleotide position 2. This alters the methionine residue at the initiation codon (ATG). In addition to the clinical data presented in the literature, sequence variations that modify the initiation codon are expected to result in either loss of translation initiation, N-terminal truncation, or cause a shift in the mRNA reading frame. Based on the supporting evidence, this alteration is interpreted as a disease-causing mutation.

Mayo Clinic Laboratories, Mayo Clinic
Classification: Likely pathogenic. Last evaluated: 2024-12-20. Review status: criteria provided, single submitter. Criteria: ACMG Guidelines, 2015. Collection method: clinical testing. Allele origin: germline. Observed: 1 variant allele.
Comment: PP4, PM1, PM2_supporting, PS4_supporting, PVS1_moderate

Myriad Genetics, Inc.
Classification: Pathogenic for Pheochromocytoma/paraganglioma syndrome 5. Last evaluated: 2024-02-06. Review status: criteria provided, single submitter. Criteria: Myriad Autosomal Dominant, Autosomal Recessive and X-Linked Classification Criteria (2023). Collection method: clinical testing. Allele origin: unknown.
Comment: This variant is considered pathogenic. This variant is located within the gene translation start codon (p.Met1?) and is predicted to result in abnormal protein translation. This variant has been reported in multiple individuals with clinical features of gene-specific disease [PMID: 28384794, 10746566, 26722403, 32971818].

GeneDx
Classification: Pathogenic. Last evaluated: 2023-06-01. Review status: criteria provided, single submitter. Criteria: GeneDx Variant Classification Process June 2021. Collection method: clinical testing. Allele origin: germline. Affected: yes.
Comment: Initiation codon variant in a gene for which loss of function is a known mechanism of disease; Not observed at significant frequency in large population cohorts (gnomAD); This variant is associated with the following publications: (PMID: 26722403, 25488574, 10746566, 15989954, 21858060, 33372952, 28384794)

Fulgent Genetics
Classification: Likely pathogenic for Mitochondrial complex II deficiency, nuclear type 1; Dilated cardiomyopathy 1GG; Pheochromocytoma/paraganglioma syndrome 5; Neurodegeneration with ataxia and late-onset optic atrophy. Last evaluated: 2022-04-27. Review status: criteria provided, single submitter. Criteria: ACMG Guidelines, 2015. Collection method: clinical testing. Allele origin: unknown.

Human Genome Sequencing Center Clinical Lab, Baylor College of Medicine
Classification: Pathogenic for Rhabdomyosarcoma. Last evaluated: 2020-09-01. Review status: no assertion criteria provided. Collection method: provider interpretation. Allele origin: germline. Affected: yes. Not counted in ClinVar's aggregate classification.

Literature cited by the submitters: PubMed 10746566 (cited by 3 submitters); PubMed 26722403 (cited by 3 submitters); PubMed 28384794 (cited by 4 submitters); PubMed 25488574 (cited by Labcorp Genetics (formerly Invitae), Labcorp and Mayo Clinic Laboratories, Mayo Clinic); PubMed 15989954 (cited by Labcorp Genetics (formerly Invitae), Labcorp and Mayo Clinic Laboratories, Mayo Clinic); PubMed 21858060 (cited by Labcorp Genetics (formerly Invitae), Labcorp and Mayo Clinic Laboratories, Mayo Clinic); PubMed 32971818 (cited by Mayo Clinic Laboratories, Mayo Clinic and Myriad Genetics, Inc.); PubMed 33372952 (cited by Human Genome Sequencing Center Clinical Lab, Baylor College of Medicine).